The following is an entry in ClinVar:

NM_000256.3(MYBPC3):c.2737+2_2737+3del

Gene: MYBPC3 (myosin binding protein C3; minus strand). Cytogenetic location: 11p11.2.
Variant type: Microsatellite.
Coding change: c.2737+2_2737+3del on transcript NM_000256.3 (MANE Select); the canonical splice donor site of the intron after coding-DNA position 2737 through 3 bases into the intron after coding-DNA position 2737, 2 bases deleted (TG; older notation c.2737+2_2737+3delTG).
Molecular consequence: splice donor variant.
Genome position (GRCh38, 1-based): chr11:47,335,874-47,335,875, CA deleted on the plus strand (TG on the coding strand, the reverse complement: MYBPC3 is on the minus strand); deleting any 2 consecutive bases within chr11:47,335,874-47,335,877 gives the same sequence; the c. name uses the placement nearest the transcript's 3' end. VCF-style (leftmost placement, unchanged base first): chr11-47335873-TCA-T. GRCh37 (hg19) VCF-style: chr11-47357424-TCA-T.
Other names: c.2737+2_2737+3delTG (NM_000256.3).
Identifiers: ClinVar variation 619257 (VCV000619257.14), dbSNP rs1265248322, ClinGen allele CA676993345.

ClinVar aggregate classification (germline): Pathogenic/Likely pathogenic. Review status: criteria provided, multiple submitters, no conflicts (2 of 4 stars). 4 submissions from 4 submitters: Pathogenic (1); Likely pathogenic (3). Last evaluated 2025-12-31.

Conditions:
MYBPC3-related disorder. Also called: MYBPC3-related disorders; MYBPC3-related condition; MYBPC3-related disease.
Cardiovascular phenotype. Identifiers: MedGen CN230736.
Hypertrophic cardiomyopathy. Also called: HYPERTROPHIC MYOCARDIOPATHY. Identifiers: Orphanet 217569, MedGen C0007194, MeSH D002312, MONDO:0005045, HP:0001639.

Submissions (4):

Labcorp Genetics (formerly Invitae), Labcorp
Classification: Likely pathogenic for Hypertrophic cardiomyopathy. Last evaluated: 2025-12-31. Review status: criteria provided, single submitter. Criteria: Invitae Variant Classification Sherloc (09022015). Collection method: clinical testing. Allele origin: germline.
Comment: This sequence change affects a splice site in intron 26 of the MYBPC3 gene. It is expected to disrupt RNA splicing. Variants that disrupt the donor or acceptor splice site typically lead to a loss of protein function (PMID: 16199547), and loss-of-function variants in MYBPC3 are known to be pathogenic (PMID: 19574547). This variant is not present in population databases (gnomAD no frequency). Disruption of this splice site has been observed in individual(s) with hypertrophic cardiomyopathy (PMID: 12707239, 25611685, 27532257, 31513939, 37652022; internal data). This variant is also known as IVS26 Del gt [17773–17774]. ClinVar contains an entry for this variant (Variation ID: 619257). Algorithms developed to predict the effect of sequence changes on RNA splicing suggest that this variant may disrupt the consensus splice site. In summary, the currently available evidence indicates that the variant is pathogenic, but additional data are needed to prove that conclusively. Therefore, this variant has been classified as Likely Pathogenic.

Ambry Genetics
Classification: Likely pathogenic for Cardiovascular phenotype. Last evaluated: 2025-11-06. Review status: criteria provided, single submitter. Criteria: Ambry Variant Classification Scheme 2023. Collection method: clinical testing. Allele origin: germline.
Comment: The c.2737+2_2737+3delTG intronic variant, located in intron 26 of the MYBPC3 gene, results from a deletion of two nucleotides within intron 26 of the MYBPC3 gene. In silico splice site analysis predicts that this alteration will weaken the native splice donor site and may result in the creation or strengthening of a novel splice donor site. The resulting transcript is predicted to be in-frame and is not expected to trigger nonsense-mediated mRNAdecay; however, direct evidence is unavailable. The exact functional effect of the altered amino acid sequence is unknown; however, the impacted region is critical for protein function (Ambry internal data). This alteration has been reported in a hypertrophic cardiomyopathy (HCM) cohort (Robyns T et al. Eur J Med Genet, 2020 Mar;63:103754). This variant is considered to be rare based on population cohorts in the Genome Aggregation Database (gnomAD). This nucleotide position is not well conserved in available vertebrate species. Based on the majority of available evidence to date, this variant is likely to be pathogenic.

Blueprint Genetics
Classification: Pathogenic for MYBPC3-related disorders. Last evaluated: 2023-02-10. Review status: criteria provided, single submitter. Criteria: ACMG Guidelines, 2015. Collection method: clinical testing. Allele origin: germline. Affected: yes. Observed: 2 variant alleles.

Center for Human Genetics, University of Leuven
Classification: Likely pathogenic for Hypertrophic cardiomyopathy. Last evaluated: 2018-10-31. Review status: criteria provided, single submitter. Criteria: ACMG Guidelines, 2015. Collection method: clinical testing. Allele origin: germline. Affected: yes.

Literature cited by the submitters: PubMed 16199547 (cited by Labcorp Genetics (formerly Invitae), Labcorp); PubMed 19574547 (cited by Labcorp Genetics (formerly Invitae), Labcorp); PubMed 12707239 (cited by Labcorp Genetics (formerly Invitae), Labcorp); PubMed 25611685 (cited by Labcorp Genetics (formerly Invitae), Labcorp); PubMed 27532257 (cited by Labcorp Genetics (formerly Invitae), Labcorp); PubMed 31513939 (cited by Labcorp Genetics (formerly Invitae), Labcorp and Ambry Genetics); PubMed 37652022 (cited by Labcorp Genetics (formerly Invitae), Labcorp).